The following is an entry in ClinVar:

ClinVar aggregate classification (germline): Benign. Review status: criteria provided, multiple submitters, no conflicts (2 of 4 stars). 10 submissions from 9 submitters: Benign (9). 1 of the submissions does not count toward it. Last evaluated 2026-02-04.

Conditions:
Cardiovascular phenotype. Identifiers: MedGen CN230736.
Tangier disease (TGD). Also called: HIGH DENSITY LIPOPROTEIN DEFICIENCY, TANGIER TYPE; HIGH DENSITY LIPOPROTEIN DEFICIENCY, TYPE 1; Cholesterol thesaurismosis. Identifiers: Orphanet 31150, MedGen C0039292, MONDO:0008783, OMIM 205400.
Hypoalphalipoproteinemia, primary, 1. Identifiers: Orphanet 425, MedGen C5231558, MONDO:0011393, OMIM 604091.

Allele frequency attached by ClinVar (database versions not stated): gnomAD exomes 0.29196 and 0.32363; ExAC 0.32994; gnomAD 0.38380 and 0.38693; TOPMed 0.40431; 1000 Genomes Project 0.43970; 1000 Genomes Project 30x 0.44129.
gnomAD v4.1: 486,827 of 1,613,856 alleles (30%); highest among the groups gnomAD compares: African/African-American, 64%; 80,178 homozygotes.

Submissions (10):

Labcorp Genetics (formerly Invitae), Labcorp
Classification: Benign. Last evaluated: 2026-02-04. Review status: criteria provided, single submitter. Criteria: Invitae Variant Classification Sherloc (09022015). Collection method: clinical testing. Allele origin: germline.

Blueprint Genetics
Classification: Benign. Last evaluated: 2024-11-27. Review status: criteria provided, single submitter. Criteria: ACMG Guidelines, 2015. Collection method: clinical testing. Allele origin: germline.

Genome-Nilou Lab
Classification: Benign for Tangier disease. Last evaluated: 2021-07-14. Review status: criteria provided, single submitter. Criteria: ACMG Guidelines, 2015. Collection method: clinical testing. Allele origin: germline. Affected: no.

Ambry Genetics
Classification: Benign for Cardiovascular phenotype. Last evaluated: 2018-12-11. Review status: criteria provided, single submitter. Criteria: Ambry Variant Classification Scheme 2023. Collection method: clinical testing. Allele origin: germline.

GeneDx
Classification: Benign. Last evaluated: 2018-08-30. Review status: criteria provided, single submitter. Criteria: GeneDx Variant Classification Process June 2021. Collection method: clinical testing. Allele origin: germline. Affected: yes.
Comment: This variant is associated with the following publications: (PMID: 20170916, 21310416, 18927311, 12700893, 21643759, 20797885, 20346718, 21300560, 18621447, 19304534, 17407076, 11238261, 24157307, 26243156, 31006134, 25104170, 24466114, 27560308)

Mayo Clinic Laboratories, Mayo Clinic
Classification: Benign. Last evaluated: 2017-07-24. Review status: criteria provided, single submitter. Criteria: ACMG Guidelines, 2015. Collection method: clinical testing. Allele origin: germline. Observed: 633 variant alleles.

Illumina Laboratory Services, Illumina
Classification: Benign for Hypoalphalipoproteinemia, primary, 1. Last evaluated: 2017-04-27. Review status: criteria provided, single submitter. Criteria: ICSL Variant Classification Criteria 13 December 2019. Collection method: clinical testing. Allele origin: germline.
Comment: This variant was observed as part of a predisposition screen in an ostensibly healthy population. A literature search was performed for the gene, cDNA change, and amino acid change (where applicable). Publications were found based on this search. The evidence from the literature, in combination with allele frequency data from public databases where available, was sufficient to rule this variant out of causing disease. Therefore, this variant is classified as benign.

Illumina Laboratory Services, Illumina
Classification: Benign for Tangier disease. Last evaluated: 2017-04-27. Review status: criteria provided, single submitter. Criteria: ICSL Variant Classification Criteria 13 December 2019. Collection method: clinical testing. Allele origin: germline.
Comment: This variant was observed as part of a predisposition screen in an ostensibly healthy population. A literature search was performed for the gene, cDNA change, and amino acid change (where applicable). No publications were found based on this search. Allele frequency data from public databases was too high to be consistent with this variant causing disease. Therefore, this variant is classified as benign.

Breakthrough Genomics
Classification: Benign. Review status: criteria provided, single submitter. Criteria: ACMG Guidelines, 2015. Collection method: not provided. Allele origin: germline. Inheritance: Autosomal recessive inheritance. Affected: yes.

OMIM
Classification: Benign for RECLASSIFIED - ABCA1 POLYMORPHISM. Last evaluated: 2006-01-01. Review status: no assertion criteria provided. Collection method: literature only. Allele origin: germline. Not counted in ClinVar's aggregate classification.

Literature cited by the submitters: PubMed 11238261 (cited by Illumina Laboratory Services, Illumina); PubMed 16429166 (cited by Illumina Laboratory Services, Illumina); Hamosh, A. Personal Communication. 2019. Baltimore, Md. (cited by OMIM); PubMed 12624133 (cited by OMIM); PubMed 16372134 (cited by OMIM).

NM_005502.4(ABCA1):c.656G>A (p.Arg219Lys)

Gene: ABCA1 (ATP binding cassette subfamily A member 1; minus strand). Cytogenetic location: 9q31.1.
Variant type: single nucleotide variant.
Coding change: c.656G>A on transcript NM_005502.4 (MANE Select); coding-DNA position 656, G replaced by A.
Protein change: p.Arg219Lys; replaces arginine 219 with lysine.
Molecular consequence: missense variant.
Genome position (GRCh38, 1-based): chr9:104,858,586, C>T on the plus strand (G>A on the coding strand, the complement: ABCA1 is on the minus strand). VCF-style: chr9-104858586-C-T. GRCh37 (hg19) VCF-style: chr9-107620867-C-T.
Other names: short protein forms R219K.
Identifiers: ClinVar variation 9506 (VCV000009506.25), dbSNP rs2230806, ClinGen allele CA120495.